The following is an entry in ClinVar:

ClinVar aggregate classification (germline): Pathogenic/Likely pathogenic. Review status: criteria provided, multiple submitters, no conflicts (2 of 4 stars). 4 submissions from 4 submitters: Pathogenic (2); Likely pathogenic (1). 1 of the submissions does not count toward it. Last evaluated 2022-07-20.

Conditions:
Autosomal dominant Charcot-Marie-Tooth disease type 2W. Also called: CHARCOT-MARIE-TOOTH NEUROPATHY, TYPE 2W; CHARCOT-MARIE-TOOTH DISEASE, AXONAL, AUTOSOMAL DOMINANT, TYPE 2W; Charcot-Marie-Tooth disease, axonal, type 2w. Identifiers: Orphanet 488333, MedGen C5567486, MONDO:0014711, OMIM 616625.
HARS-related disorders.

Submissions (4):

MGZ Medical Genetics Center
Classification: Likely pathogenic for Autosomal dominant Charcot-Marie-Tooth disease type 2W. Last evaluated: 2022-07-20. Review status: criteria provided, single submitter. Criteria: ACMG Guidelines, 2015. Collection method: clinical testing. Allele origin: germline. Affected: yes. Observed: 1 variant allele.
Comment: ACMG criteria applied: PP1_STR, PS3_SUP, PS4_SUP, PM2_SUP, PP3

Blueprint Genetics
Classification: Pathogenic for HARS-related disorders. Last evaluated: 2021-03-31. Review status: criteria provided, single submitter. Criteria: ACMG Guidelines, 2015. Collection method: clinical testing. Allele origin: germline. Affected: yes. Observed: 1 variant allele.

CeGaT Center for Human Genetics Tuebingen
Classification: Pathogenic. Last evaluated: 2020-12-01. Review status: criteria provided, single submitter. Criteria: CeGaT Center For Human Genetics Tuebingen Variant Classification Criteria Version 2. Collection method: clinical testing. Allele origin: germline. Affected: yes. Observed: 2 variant alleles.

OMIM
Classification: Pathogenic for CHARCOT-MARIE-TOOTH DISEASE, AXONAL, TYPE 2W. Last evaluated: 2015-08-01. Review status: no assertion criteria provided. Collection method: literature only. Allele origin: germline. Not counted in ClinVar's aggregate classification.

Literature cited by the submitters: PubMed 26072516 (cited by OMIM).

NM_002109.6(HARS1):c.395C>T (p.Thr132Ile)

Gene: HARS1 (histidyl-tRNA synthetase 1; minus strand). Cytogenetic location: 5q31.3.
Variant type: single nucleotide variant.
Coding change: c.395C>T on transcript NM_002109.6 (MANE Select); coding-DNA position 395, C replaced by T.
Protein change: p.Thr132Ile; replaces threonine 132 with isoleucine.
Molecular consequence: missense variant. On other transcripts: intron variant (2).
Genome position (GRCh38, 1-based): chr5:140,679,789, G>A on the plus strand (C>T on the coding strand, the complement: HARS1 is on the minus strand). VCF-style: chr5-140679789-G-A. GRCh37 (hg19) VCF-style: chr5-140059374-G-A.
Other names: c.275C>T, p.Thr92Ile (NM_001258040.3, NM_001258042.3); c.395C>T, p.Thr132Ile (NM_001258041.3); c.308C>T, p.Thr103Ile (NM_001289094.2); c.181-1774C>T (NM_001289093.2); c.301-1774C>T (NM_001289092.2); short protein forms T132I, T92I, T103I.
Identifiers: ClinVar variation 217506 (VCV000217506.46), dbSNP rs143473232, ClinGen allele CA210252.